The following is an entry in ClinVar:

ClinVar aggregate classification (germline): Likely benign. Review status: criteria provided, single submitter (1 of 4 stars). 2 submissions from 2 submitters: Likely benign (1). 1 of the submissions does not count toward it. Last evaluated 2025-05-18.

Conditions:
HMCN1-related disorder. Also called: HMCN1-related condition.

Allele frequency attached by ClinVar (database versions not stated): gnomAD 0.00003; gnomAD exomes 0.00003; TOPMed 0.00003.
gnomAD v4.1: 52 of 1,613,642 alleles (0.0032%); highest among the groups gnomAD compares: Non-Finnish European, 0.0039%; no homozygotes.

Submissions (2):

Labcorp Genetics (formerly Invitae), Labcorp
Classification: Likely benign. Last evaluated: 2025-05-18. Review status: criteria provided, single submitter. Criteria: Invitae Variant Classification Sherloc (09022015). Collection method: clinical testing. Allele origin: germline.

PreventionGenetics, part of Exact Sciences
Classification: Likely benign for HMCN1-related condition. Last evaluated: 2019-10-28. Review status: no assertion criteria provided. Collection method: clinical testing. Allele origin: germline. Not counted in ClinVar's aggregate classification.
Comment: This variant is classified as likely benign based on ACMG/AMP sequence variant interpretation guidelines (Richards et al. 2015 PMID: 25741868, with internal and published modifications).

NM_031935.3(HMCN1):c.1553-7C>G

Gene: HMCN1 (hemicentin 1; plus strand). Cytogenetic location: 1q31.1.
Variant type: single nucleotide variant.
Coding change: c.1553-7C>G on transcript NM_031935.3 (MANE Select); 7 bases into the intron before coding-DNA position 1553, C replaced by G.
Molecular consequence: intron variant.
Genome position (GRCh38, 1-based): chr1:185,933,542, C>G. VCF-style: chr1-185933542-C-G. GRCh37 (hg19) VCF-style: chr1-185902674-C-G.
Other names: c.1553-7C>G (NM_031935.2).
Identifiers: ClinVar variation 2416869 (VCV002416869.8), dbSNP rs1021127341, ClinGen allele CA33439090.
Genomic context (GRCh38, chr1:185,933,542, plus strand): 5'-AACCACATCTGTAAGTGAGCAAAATGGCTTTTAGGTCTCTTGATTTGAATTTTTTGATTT[C>G]ACACAGAGCCCCCTCCGGTCATCCAAGTGCCTAACAATGTTACAGTCACTCCTGGAGAGA-3'